The following is an entry in ClinVar:

NM_001080517.3(SETD5):c.2878A>G (p.Ser960Gly)

Gene: SETD5 (SET domain containing 5; plus strand). Cytogenetic location: 3p25.3.
Variant type: single nucleotide variant.
Coding change: c.2878A>G on transcript NM_001080517.3 (MANE Select); coding-DNA position 2878, A replaced by G.
Protein change: p.Ser960Gly; replaces serine 960 with glycine.
Molecular consequence: missense variant.
Genome position (GRCh38, 1-based): chr3:9,470,612, A>G. VCF-style: chr3-9470612-A-G. GRCh37 (hg19) VCF-style: chr3-9512296-A-G.
Other names: c.2584A>G, p.Ser862Gly (NM_001292043.2, NM_001349451.2); c.2878A>G (NM_001080517.1); short protein forms S960G, S862G.
Identifiers: ClinVar variation 1353131 (VCV001353131.11), dbSNP rs2045194222, ClinGen allele CA351680465.

ClinVar aggregate classification (germline): Uncertain significance. Review status: criteria provided, multiple submitters, no conflicts (2 of 4 stars). 3 submissions from 3 submitters: Uncertain significance (3). Last evaluated 2026-03-02.

Conditions:
Inborn genetic diseases. Identifiers: MedGen C0950123, MeSH D030342.
Intellectual disability-facial dysmorphism syndrome due to SETD5 haploinsufficiency (MRD23). Also called: Intellectual developmental disorder, autosomal dominant 23. Identifiers: Orphanet 404440, MedGen C3810406, MONDO:0014336, OMIM 615761.

Allele frequency attached by ClinVar (database versions not stated): TOPMed below 0.00001; gnomAD exomes 0.00001.
gnomAD v4.1: 18 of 1,613,980 alleles (0.0011%); highest among the groups gnomAD compares: East Asian, 0.0067%; no homozygotes.

Submissions (3):

Ambry Genetics
Classification: Uncertain significance for Inborn genetic diseases. Last evaluated: 2026-03-02. Review status: criteria provided, single submitter. Criteria: Ambry Variant Classification Scheme 2023. Collection method: clinical testing. Allele origin: germline.

Labcorp Genetics (formerly Invitae), Labcorp
Classification: Uncertain significance. Last evaluated: 2025-07-15. Review status: criteria provided, single submitter. Criteria: Invitae Variant Classification Sherloc (09022015). Collection method: clinical testing. Allele origin: germline.
Comment: This sequence change replaces serine, which is neutral and polar, with glycine, which is neutral and non-polar, at codon 960 of the SETD5 protein (p.Ser960Gly). This variant is not present in population databases (gnomAD no frequency). This variant has not been reported in the literature in individuals affected with SETD5-related conditions. ClinVar contains an entry for this variant (Variation ID: 1353131). Invitae Evidence Modeling of protein sequence and biophysical properties (such as structural, functional, and spatial information, amino acid conservation, physicochemical variation, residue mobility, and thermodynamic stability) indicates that this missense variant is not expected to disrupt SETD5 protein function with a negative predictive value of 80%. In summary, the available evidence is currently insufficient to determine the role of this variant in disease. Therefore, it has been classified as a Variant of Uncertain Significance.

Revvity Omics, Revvity
Classification: Uncertain significance for Intellectual disability-facial dysmorphism syndrome due to SETD5 haploinsufficiency. Last evaluated: 2021-12-20. Review status: criteria provided, single submitter. Criteria: ACMG Guidelines, 2015. Collection method: clinical testing. Allele origin: germline.